The following is an entry in ClinVar:

NM_003235.5(TG):c.325A>G (p.Ile109Val)

Gene: TG (thyroglobulin; plus strand). Cytogenetic location: 8q24.22.
Variant type: single nucleotide variant.
Coding change: c.325A>G on transcript NM_003235.5 (MANE Select); coding-DNA position 325, A replaced by G.
Protein change: p.Ile109Val; replaces isoleucine 109 with valine.
Molecular consequence: missense variant.
Genome position (GRCh38, 1-based): chr8:132,871,398, A>G. VCF-style: chr8-132871398-A-G. GRCh37 (hg19) VCF-style: chr8-133883643-A-G.
Other names: short protein forms I109V.
Identifiers: ClinVar variation 774464 (VCV000774464.40), dbSNP rs35301433, ClinGen allele CA4882873.
Genomic context (GRCh38, chr8:132,871,398, plus strand): 5'-GTACCCACAGGTCTGTCATTTTGTCAGCTACAGAAACAGCAGATCTTACTGAGTGGCTAC[A>G]TTAACAGCACAGACACCTCCTACCTCCCTCAGTGTCAGGATTCAGGGGACTACGCGCCTG-3'
Protein context (NP_003226.4, residues 99-119): QKQQILLSGY[Ile109Val]NSTDTSYLPQ

ClinVar aggregate classification (germline): Conflicting classifications of pathogenicity. Review status: criteria provided, conflicting classifications (1 of 4 stars). 7 submissions from 7 submitters: Uncertain significance (1); Benign (1); Likely benign (3). 2 of the submissions do not count toward it. Last evaluated 2026-01-28.

Conditions:
Iodotyrosyl coupling defect (TDH3). Also called: HYPOTHYROIDISM, CONGENITAL, DUE TO DYSHORMONOGENESIS, 3; THYROID HORMONOGENESIS, GENETIC DEFECT IN, 3. Identifiers: Orphanet 95716, MedGen C0342194, MONDO:0010135, OMIM 274700.
TG-related disorder. Also called: TG-related condition; TG-related disorders.

Allele frequency attached by ClinVar (database versions not stated): 1000 Genomes Project 30x 0.00094; 1000 Genomes Project 0.00100; TOPMed 0.00322; gnomAD 0.00341 and 0.00350; gnomAD exomes 0.00401 and 0.00498; ExAC 0.00431; ESP Exome Variant Server 0.00446.
gnomAD v4.1: 7,744 of 1,614,210 alleles (0.48%); highest among the groups gnomAD compares: South Asian, 0.57%; 31 homozygotes.

Submissions (7):

Labcorp Genetics (formerly Invitae), Labcorp
Classification: Benign. Last evaluated: 2026-01-28. Review status: criteria provided, single submitter. Criteria: Invitae Variant Classification Sherloc (09022015). Collection method: clinical testing. Allele origin: germline.

CeGaT Center for Human Genetics Tuebingen
Classification: Likely benign. Last evaluated: 2025-09-01. Review status: criteria provided, single submitter. Criteria: CeGaT Center For Human Genetics Tuebingen Variant Classification Criteria Version 2. Collection method: clinical testing. Allele origin: germline. Affected: yes. Observed: 2 variant alleles.
Comment: TG: BP4, BS2

PreventionGenetics, part of Exact Sciences
Classification: Likely benign for TG-related condition. Last evaluated: 2024-11-13. Review status: criteria provided, single submitter. Criteria: ACMG Guidelines, 2015. Collection method: clinical testing. Allele origin: germline.
Comment: This variant is classified as likely benign based on ACMG/AMP sequence variant interpretation guidelines (Richards et al. 2015 PMID: 25741868, with internal and published modifications).

Women's Health and Genetics/Laboratory Corporation of America, LabCorp
Classification: Likely benign. Last evaluated: 2024-01-18. Review status: criteria provided, single submitter. Criteria: LabCorp Variant Classification Summary - May 2015. Collection method: clinical testing. Allele origin: germline.
Comment: Variant summary: TG c.325A>G (p.Ile109Val) results in a conservative amino acid change in Thyroglobulin type-1 domain (IPR000716) of the encoded protein sequence. Five of five in-silico tools predict a benign effect of the variant on protein function. The variant allele was found at a frequency of 0.004 in 251452 control chromosomes, predominantly at a frequency of 0.006 within the Non-Finnish European subpopulation in the gnomAD database, including 5 homozygotes. To our knowledge, no occurrence of c.325A>G in individuals affected with TG-Related Disorders and no experimental evidence demonstrating its impact on protein function have been reported. ClinVar contains an entry for this variant (Variation ID: 774464). Based on the evidence outlined above, the variant was classified as Likely Benign.

Illumina Laboratory Services, Illumina
Classification: Uncertain significance for Iodotyrosyl coupling defect. Last evaluated: 2018-01-13. Review status: criteria provided, single submitter. Criteria: ICSL Variant Classification Criteria 13 December 2019. Collection method: clinical testing. Allele origin: germline.

Clinical Genetics DNA and cytogenetics Diagnostics Lab, Erasmus MC, Erasmus Medical Center
Classification: Likely benign. Review status: no assertion criteria provided. Collection method: clinical testing. Allele origin: germline. Affected: yes. Study: VKGL Data-share Consensus. Not counted in ClinVar's aggregate classification.

Clinical Genetics, Academic Medical Center
Classification: Likely benign. Review status: no assertion criteria provided. Collection method: clinical testing. Allele origin: germline. Affected: yes. Study: VKGL Data-share Consensus. Not counted in ClinVar's aggregate classification.